The following is an entry in ClinVar:

ClinVar aggregate classification (germline): Conflicting classifications of pathogenicity. Review status: criteria provided, conflicting classifications (1 of 4 stars). 5 submissions from 5 submitters: Uncertain significance (3); Likely benign (2). Last evaluated 2025-11-20.

Conditions:
Arrhythmogenic cardiomyopathy with wooly hair and keratoderma. Also called: Carvajal syndrome; PALMOPLANTAR KERATODERMA WITH LEFT VENTRICULAR CARDIOMYOPATHY AND WOOLLY HAIR; Dilated cardiomyopathy with woolly hair and keratoderma; Arrhythmogenic cardiomyopathy with woolly hair and keratoderma. Identifiers: Orphanet 65282, MedGen C1854063, MONDO:0011581, OMIM 605676.
Arrhythmogenic right ventricular dysplasia 8 (ARVD8). Also called: Arrhythmogenic Right Ventricular Dysplasia/Cardiomyopathy 8; ARRHYTHMOGENIC RIGHT VENTRICULAR DYSPLASIA, FAMILIAL, 8; ARRHYTHMOGENIC RIGHT VENTRICULAR CARDIOMYOPATHY 8. Identifiers: MedGen C1843896, MONDO:0011831, OMIM 607450.
Cardiomyopathy (CMYO). Also called: Cardiomyopathies. Identifiers: Orphanet 167848, MedGen C0878544, MONDO:0004994, HP:0001638. Inheritance: Various modes of inheritance.
Cardiovascular phenotype. Identifiers: MedGen CN230736.

Allele frequency attached by ClinVar (database versions not stated): ExAC 0.00002; gnomAD 0.00002 and 0.00003; gnomAD exomes 0.00002 and 0.00003; TOPMed 0.00002.
gnomAD v4.1: 54 of 1,613,966 alleles (0.0033%); highest among the groups gnomAD compares: Admixed American, 0.0067%; no homozygotes.

Submissions (5):

Color Diagnostics, LLC DBA Color Health
Classification: Uncertain significance for Cardiomyopathy. Last evaluated: 2025-11-20. Review status: criteria provided, single submitter. Criteria: ACMG Guidelines, 2015. Collection method: clinical testing. Allele origin: germline.
Comment: This missense variant replaces arginine with histidine at codon 907 of the DSP protein. Computational prediction suggests that this variant may not impact protein structure and function. To our knowledge, functional studies have not been reported for this variant. This variant has been reported in at least one individual affected with dilated cardiomyopathy (PMID: 21859740, 26899768), and in an individual affected with arrhythmogenic cardiomyopathy who additionally carried a duplication of exons 8-10 in PKP2 gene (PMID: 29511324). This variant has been identified in 54/1613966 chromosomes in the general population by the Genome Aggregation Database (gnomAD). The available evidence is insufficient to determine the role of this variant in disease conclusively. Therefore, this variant is classified as a Variant of Uncertain Significance.

Labcorp Genetics (formerly Invitae), Labcorp
Classification: Likely benign for Arrhythmogenic cardiomyopathy with wooly hair and keratoderma; Arrhythmogenic right ventricular dysplasia 8. Last evaluated: 2025-09-07. Review status: criteria provided, single submitter. Criteria: Invitae Variant Classification Sherloc (09022015). Collection method: clinical testing. Allele origin: germline.

Ambry Genetics
Classification: Likely benign for Cardiovascular phenotype. Last evaluated: 2024-03-27. Review status: criteria provided, single submitter. Criteria: Ambry Variant Classification Scheme 2023. Collection method: clinical testing. Allele origin: germline.

All of Us Research Program, National Institutes of Health
Classification: Uncertain significance for Arrhythmogenic cardiomyopathy with wooly hair and keratoderma. Last evaluated: 2023-12-14. Review status: criteria provided, single submitter. Criteria: ACMG Guidelines, 2015. Collection method: clinical testing. Allele origin: germline. Inheritance: Autosomal dominant inheritance. Observed: 10 variant alleles, 10 heterozygotes.
Comment: This missense variant replaces arginine with histidine at codon 907 of the DSP protein. Computational prediction suggests that this variant may not impact protein structure and function (internally defined REVEL score threshold <= 0.5, PMID: 27666373). To our knowledge, functional studies have not been reported for this variant. This variant has been reported in at least one individual affected with dilated cardiomyopathy (PMID: 21859740, 26899768), and in an individual affected with arrhythmogenic cardiomyopathy who also carried a duplication of exons 8-10 in PKP2 gene (PMID: 29511324). This variant has been identified in 7/282718 chromosomes in the general population by the Genome Aggregation Database (gnomAD). The available evidence is insufficient to determine the role of this variant in disease conclusively. Therefore, this variant is classified as a Variant of Uncertain Significance.

This study involves interpretation of variants in research participants for the purpose of population health screening. Participant phenotype was not available at the time of variant classification. Additional details can be found in publication PMID: 35346344, PMCID: PMC8962531

Blueprint Genetics
Classification: Uncertain significance. Last evaluated: 2023-06-05. Review status: criteria provided, single submitter. Criteria: ACMG Guidelines, 2015. Collection method: clinical testing. Allele origin: germline.

Literature cited by the submitters: PubMed 21859740 (cited by 3 submitters); PubMed 26899768 (cited by 3 submitters); PubMed 29511324 (cited by 3 submitters).

NM_004415.4(DSP):c.2720G>A (p.Arg907His)

Gene: DSP (desmoplakin; plus strand). Cytogenetic location: 6p24.3.
Variant type: single nucleotide variant.
Coding change: c.2720G>A on transcript NM_004415.4 (MANE Select); coding-DNA position 2720, G replaced by A.
Protein change: p.Arg907His; replaces arginine 907 with histidine.
Molecular consequence: missense variant.
Genome position (GRCh38, 1-based): chr6:7,576,383, G>A. VCF-style: chr6-7576383-G-A. GRCh37 (hg19) VCF-style: chr6-7576616-G-A.
Other names: c.2720G>A, p.Arg907His (NM_001008844.3, NM_001319034.2); short protein forms R907H.
Identifiers: ClinVar variation 920967 (VCV000920967.17), dbSNP rs774665110, ClinGen allele CA034758.